The following is an entry in ClinVar:

ClinVar aggregate classification (germline): Uncertain significance. Review status: criteria provided, multiple submitters, no conflicts (2 of 4 stars). 3 submissions from 3 submitters: Uncertain significance (3). Last evaluated 2025-03-04.

Conditions:
Intellectual disability, X-linked, with or without seizures, ARX-related. Also called: Mental retardation, X-linked 52; MENTAL RETARDATION, X-LINKED 29; MENTAL RETARDATION, X-LINKED 32; MENTAL RETARDATION, X-LINKED 33; MENTAL RETARDATION, X-LINKED 38; MENTAL RETARDATION, X-LINKED 43. Identifiers: Orphanet 777, MedGen C0796244, MONDO:0010317, OMIM 300419.
Developmental and epileptic encephalopathy, 1 (DEE1). Also called: OHTAHARA SYNDROME, X-LINKED; INFANTILE SPASM SYNDROME, X-LINKED 1; Epileptic encephalopathy, early infantile, 1; X-linked infantile spasms; West's syndrome; Tonic spasms with clustering, arrest of psychomotor development and hypsarrhythmia on EEG. Identifiers: MedGen C3463992, MONDO:0010632, OMIM 308350. Disease mechanism: loss of function.
Corpus callosum agenesis-abnormal genitalia syndrome. Also called: PROUD SYNDROME; ACC WITH ABNORMAL GENITALIA. Identifiers: Orphanet 2508, MedGen C0796124, MONDO:0010224, OMIM 300004.
X-linked lissencephaly with abnormal genitalia. Identifiers: Orphanet 452, MedGen C1846171, MONDO:0010268, OMIM 300215.
Partington syndrome (PRTS). Also called: MENTAL RETARDATION, X-LINKED 36; MENTAL RETARDATION, X-LINKED, SYNDROMIC 1; MENTAL RETARDATION, X-LINKED, WITH DYSTONIC MOVEMENTS, ATAXIA, AND SEIZURES; Mental retardation-dystonic movements-ataxia-seizures syndrome. Identifiers: Orphanet 94083, MedGen C0796250, MONDO:0010654, OMIM 309510.

Submissions (3):

3billion
Classification: Uncertain significance for Developmental and epileptic encephalopathy, 1. Last evaluated: 2025-03-04. Review status: criteria provided, single submitter. Criteria: ACMG Guidelines, 2015. Collection method: clinical testing. Allele origin: germline. Affected: yes.
Comment: The variant is not observed in the gnomAD v4.1.0 dataset. Predicted Consequence/Location: Missense variant In silico tool predictions suggest damaging effect of the variant on gene or gene product [REVEL: 0.93 (>=0.6, sensitivity 0.68 and specificity 0.92); 3Cnet: 0.96 (> 0.75, sensitivity 0.96 and precision 0.92)]. A different missense change at the same codon (p.Leu535Gln) has been reported to be associated with ARX-related disorder (ClinVar ID: VCV000029965 /PMID: 21108397). Therefore, this variant is classified as VUS according to the recommendation of ACMG/AMP guideline.

Labcorp Genetics (formerly Invitae), Labcorp
Classification: Uncertain significance for Developmental and epileptic encephalopathy, 1; Intellectual disability, X-linked, with or without seizures, ARX-related. Last evaluated: 2024-02-05. Review status: criteria provided, single submitter. Criteria: Invitae Variant Classification Sherloc (09022015). Collection method: clinical testing. Allele origin: germline.
Comment: This sequence change replaces leucine, which is neutral and non-polar, with proline, which is neutral and non-polar, at codon 535 of the ARX protein (p.Leu535Pro). This variant is not present in population databases (gnomAD no frequency). This variant has not been reported in the literature in individuals affected with ARX-related conditions. Advanced modeling of protein sequence and biophysical properties (such as structural, functional, and spatial information, amino acid conservation, physicochemical variation, residue mobility, and thermodynamic stability) performed at Invitae indicates that this missense variant is expected to disrupt ARX protein function with a positive predictive value of 80%. In summary, the available evidence is currently insufficient to determine the role of this variant in disease. Therefore, it has been classified as a Variant of Uncertain Significance.

Juno Genomics, Hangzhou Juno Genomics, Inc
Classification: Uncertain significance for Developmental and epileptic encephalopathy, 1; X-linked lissencephaly with abnormal genitalia; Intellectual disability, X-linked, with or without seizures, ARX-related; Partington syndrome; Corpus callosum agenesis-abnormal genitalia syndrome. Review status: criteria provided, single submitter. Criteria: ACMG Guidelines, 2015. Collection method: clinical testing. Allele origin: germline.
Comment: Absent from controls (or at extremely low frequency if recessive) in Genome Aggregation Database.;Multiple lines of computational evidence support a deleterious effect on the gene or gene product.

Literature cited by the submitters: PubMed 21108397 (cited by 3billion).

NM_139058.3(ARX):c.1604T>C (p.Leu535Pro)

Gene: ARX (aristaless related homeobox; minus strand). Cytogenetic location: Xp21.3.
Variant type: single nucleotide variant.
Coding change: c.1604T>C on transcript NM_139058.3 (MANE Select); coding-DNA position 1604, T replaced by C.
Protein change: p.Leu535Pro; replaces leucine 535 with proline.
Molecular consequence: missense variant.
Genome position (GRCh38, 1-based): chrX:25,004,755, A>G on the plus strand (T>C on the coding strand, the complement: ARX is on the minus strand). VCF-style: chrX-25004755-A-G. GRCh37 (hg19) VCF-style: chrX-25022872-A-G.
Other names: short protein forms L535P.
Identifiers: ClinVar variation 2922296 (VCV002922296.6), dbSNP rs387906715, ClinGen allele CA412610668.